The following is an entry in ClinVar:

NM_018489.3(ASH1L):c.2971A>G (p.Thr991Ala)

Gene: ASH1L (ASH1 like histone lysine methyltransferase; minus strand). Cytogenetic location: 1q22.
Variant type: single nucleotide variant.
Coding change: c.2971A>G on transcript NM_018489.3 (MANE Select); coding-DNA position 2971, A replaced by G.
Protein change: p.Thr991Ala; replaces threonine 991 with alanine.
Molecular consequence: missense variant.
Genome position (GRCh38, 1-based): chr1:155,479,899, T>C on the plus strand (A>G on the coding strand, the complement: ASH1L is on the minus strand). VCF-style: chr1-155479899-T-C. GRCh37 (hg19) VCF-style: chr1-155449690-T-C.
Other names: c.2971A>G, p.Thr991Ala (NM_001366177.2); short protein forms T991A.
Identifiers: ClinVar variation 4891151 (VCV004891151.1).

ClinVar aggregate classification (germline): Uncertain significance (1 of 4 stars; one submission).

Submission:

Greenwood Genetic Center Diagnostic Laboratories, Greenwood Genetic Center
Classification: Uncertain significance. Last evaluated: 2026-06-16. Review status: criteria provided, single submitter. Criteria: ACMG Guidelines, 2015. Collection method: clinical testing. Allele origin: germline.
Comment: PM2, PP2